The following is an entry in ClinVar:

ClinVar aggregate classification (germline): Uncertain significance (1 of 4 stars; one submission).

Submission:

Dasa
Classification: Uncertain significance. Last evaluated: 2025-07-10. Review status: criteria provided, single submitter. Criteria: DASA Assertion Criteria. Collection method: clinical testing. Allele origin: germline.
Comment: NM_001009606.4(HS3ST6):c.547C>T (p.Pro183Ser) is a missense variant that results in the substitution of proline with serine. This variant is absent from population databases. Computational prediction algorithms are consistent with a deleterious effect. The currently available literature and clinical evidence are not sufficient to establish a definitive association between this variant and the reported condition. Therefore, this variant is classified as a variant of uncertain significance.

NM_001009606.4(HS3ST6):c.547C>T (p.Pro183Ser)

Gene: HS3ST6 (heparan sulfate-glucosamine 3-sulfotransferase 6; minus strand). Cytogenetic location: 16p13.3.
Variant type: single nucleotide variant.
Coding change: c.547C>T on transcript NM_001009606.4 (MANE Select); coding-DNA position 547, C replaced by T.
Protein change: p.Pro183Ser; replaces proline 183 with serine.
Molecular consequence: missense variant.
Genome position (GRCh38, 1-based): chr16:1,912,072, G>A on the plus strand (C>T on the coding strand, the complement: HS3ST6 is on the minus strand). VCF-style: chr16-1912072-G-A. GRCh37 (hg19) VCF-style: chr16-1962073-G-A.
Other names: short protein forms P183S.
Identifiers: ClinVar variation 4886622 (VCV004886622.2).